The following is an entry in ClinVar:

ClinVar aggregate classification (germline): Uncertain significance (1 of 4 stars; one submission).

Conditions:
Autosomal recessive polycystic kidney disease (ARPKD). Also called: AR polycystic kidney disease. Identifiers: Orphanet 731, Orphanet 8378, MedGen C0085548, MeSH D017044, MONDO:0009889.

Submission:

Labcorp Genetics (formerly Invitae), Labcorp
Classification: Uncertain significance for Autosomal recessive polycystic kidney disease. Last evaluated: 2022-08-16. Review status: criteria provided, single submitter. Criteria: Invitae Variant Classification Sherloc (09022015). Collection method: clinical testing. Allele origin: germline.
Comment: In summary, the available evidence is currently insufficient to determine the role of this variant in disease. Therefore, it has been classified as a Variant of Uncertain Significance. Advanced modeling of protein sequence and biophysical properties (such as structural, functional, and spatial information, amino acid conservation, physicochemical variation, residue mobility, and thermodynamic stability) performed at Invitae indicates that this missense variant is expected to disrupt PKHD1 protein function. ClinVar contains an entry for this variant (Variation ID: 1346791). This missense change has been observed in individual(s) with clinical features of polycystic kidney disease (Invitae). This variant is not present in population databases (gnomAD no frequency). This sequence change replaces glycine, which is neutral and non-polar, with alanine, which is neutral and non-polar, at codon 1999 of the PKHD1 protein (p.Gly1999Ala).

NM_138694.4(PKHD1):c.5996G>C (p.Gly1999Ala)

Gene: PKHD1 (PKHD1 ciliary IPT domain containing fibrocystin/polyductin; minus strand). Cytogenetic location: 6p12.2.
Variant type: single nucleotide variant.
Coding change: c.5996G>C on transcript NM_138694.4 (MANE Select); coding-DNA position 5996, G replaced by C.
Protein change: p.Gly1999Ala; replaces glycine 1999 with alanine.
Molecular consequence: missense variant.
Genome position (GRCh38, 1-based): chr6:51,934,235, C>G on the plus strand (G>C on the coding strand, the complement: PKHD1 is on the minus strand). VCF-style: chr6-51934235-C-G. GRCh37 (hg19) VCF-style: chr6-51799033-C-G.
Other names: c.5996G>C, p.Gly1999Ala (NM_170724.3); short protein forms G1999A.
Identifiers: ClinVar variation 1346791 (VCV001346791.8), dbSNP rs2127768810, ClinGen allele CA364417829.